The following is an entry in ClinVar:

ClinVar aggregate classification (germline): Uncertain significance (1 of 4 stars; one submission).

Submission:

Dasa
Classification: Uncertain significance. Last evaluated: 2024-11-18. Review status: criteria provided, single submitter. Criteria: DASA Assertion Criteria. Collection method: clinical testing. Allele origin: germline.
Comment: NM_001197104.2(KMT2A):c.2978C>A (p.Thr993Asn) is a missense variant that results in the substitution of threonine with asparagine. This variant is absent from population databases. Computational prediction algorithms are consistent with a benign effect. The currently available literature and clinical evidence are not sufficient to establish a definitive association between this variant and the reported condition. Therefore, this variant is classified as a variant of uncertain significance.

NM_001197104.2(KMT2A):c.2978C>A (p.Thr993Asn)

Gene: KMT2A (lysine methyltransferase 2A; plus strand). Cytogenetic location: 11q23.3.
Variant type: single nucleotide variant.
Coding change: c.2978C>A on transcript NM_001197104.2 (MANE Select); coding-DNA position 2978, C replaced by A.
Protein change: p.Thr993Asn; replaces threonine 993 with asparagine.
Molecular consequence: missense variant.
Genome position (GRCh38, 1-based): chr11:118,474,137, C>A. VCF-style: chr11-118474137-C-A. GRCh37 (hg19) VCF-style: chr11-118344852-C-A.
Other names: c.3077C>A, p.Thr1026Asn (NM_001412597.1); c.2978C>A, p.Thr993Asn (NM_005933.4); short protein forms T1026N, T993N.
Identifiers: ClinVar variation 5021044 (VCV005021044.1).
Genomic context (GRCh38, chr11:118,474,137, plus strand): 5'-ACTTGGACCTCGGCCCAACTGCCCCATCCCTGGAGAAGGAGAAAACCCTCTGCCTTTCCA[C>A]TCCTTCATCTAGCACTGTTAAACATTCCACTTCCTCCATAGGCTCCATGTTGGCTCAGGC-3'
Protein context (NP_001184033.1, residues 983-1003): LEKEKTLCLS[Thr993Asn]PSSSTVKHST